The following is an entry in ClinVar:

ClinVar aggregate classification (germline): Likely benign. Review status: criteria provided, single submitter (1 of 4 stars). 2 submissions from 2 submitters: Likely benign (1). 1 of the submissions does not count toward it. Last evaluated 2025-12-16.

Conditions:
PIK3C2A-related disorder. Also called: PIK3C2A-related condition.

Allele frequency attached by ClinVar (database versions not stated): 1000 Genomes Project 0.00020; ExAC 0.00023; gnomAD 0.00030; ESP Exome Variant Server 0.00039; gnomAD exomes 0.00046; 1000 Genomes Project 30x 0.00047.

Submissions (2):

Labcorp Genetics (formerly Invitae), Labcorp
Classification: Likely benign. Last evaluated: 2025-12-16. Review status: criteria provided, single submitter. Criteria: Invitae Variant Classification Sherloc (09022015). Collection method: clinical testing. Allele origin: germline.

PreventionGenetics, part of Exact Sciences
Classification: Likely benign for PIK3C2A-related condition. Last evaluated: 2020-02-26. Review status: no assertion criteria provided. Collection method: clinical testing. Allele origin: germline. Not counted in ClinVar's aggregate classification.
Comment: This variant is classified as likely benign based on ACMG/AMP sequence variant interpretation guidelines (Richards et al. 2015 PMID: 25741868, with internal and published modifications).

NM_002645.4(PIK3C2A):c.327C>T (p.Phe109=)

Gene: PIK3C2A (phosphatidylinositol-4-phosphate 3-kinase catalytic subunit type 2 alpha; minus strand). Cytogenetic location: 11p15.1.
Variant type: single nucleotide variant.
Coding change: c.327C>T on transcript NM_002645.4 (MANE Select); coding-DNA position 327, C replaced by T.
Protein change: p.Phe109=; no amino-acid change (phenylalanine 109 retained).
Molecular consequence: synonymous variant. On other transcripts: intron variant (1).
Genome position (GRCh38, 1-based): chr11:17,169,415, G>A on the plus strand (C>T on the coding strand, the complement: PIK3C2A is on the minus strand). VCF-style: chr11-17169415-G-A. GRCh37 (hg19) VCF-style: chr11-17190962-G-A.
Other names: c.327C>T, p.Phe109= (NM_001321378.2, NM_001386870.1); c.-75-13786C>T (NM_001321380.2); c.327C>T (NM_001321378.1).
Identifiers: ClinVar variation 2066116 (VCV002066116.6), dbSNP rs150557718, ClinGen allele CA5901591.
Genomic context (GRCh38, chr11:17,169,415, plus strand): 5'-TGCTGAAAAGGAAGGGCTCAGAATAGGAGTAACTGGTAATACAGGTGTTTTTTTAGTCTC[G>A]AAACTGTCATCCAGCAATAGTTTCTCAAGTTCAGCTTGGGTGAGCTTTTCTACATCAATA-3'
Protein context (NP_002636.2, residues 99-119): ELEKLLLDDS[Phe109=]ETKKTPVLPV